The following is an entry in ClinVar:

ClinVar aggregate classification (germline): Uncertain significance (1 of 4 stars; one submission).

Conditions:
Inborn genetic diseases. Identifiers: MedGen C0950123, MeSH D030342.

Submission:

Ambry Genetics
Classification: Uncertain significance for Inborn genetic diseases. Last evaluated: 2026-07-24. Review status: criteria provided, single submitter. Criteria: Ambry Variant Classification Scheme 2023. Collection method: clinical testing. Allele origin: germline.
Comment: The p.M618L variant (also known as c.1852A>T), located in coding exon 8 of the MECOM gene, results from an A to T substitution at nucleotide position 1852. The methionine at codon 618 is replaced by leucine, an amino acid with highly similar properties. This amino acid position is conserved. In addition, this alteration is predicted to be tolerated by in silico analysis. Based on the available evidence, the clinical significance of this variant remains unclear.

NM_004991.4(MECOM):c.1852A>T (p.Met618Leu)

Gene: MECOM (MDS1 and EVI1 complex locus; minus strand). Cytogenetic location: 3q26.2.
Variant type: single nucleotide variant.
Coding change: c.1852A>T on transcript NM_004991.4 (MANE Select); coding-DNA position 1852, A replaced by T.
Protein change: p.Met618Leu; replaces methionine 618 with leucine.
Molecular consequence: missense variant. On other transcripts: intron variant (2).
Genome position (GRCh38, 1-based): chr3:169,116,020, T>A on the plus strand (A>T on the coding strand, the complement: MECOM is on the minus strand). VCF-style: chr3-169116020-T-A. GRCh37 (hg19) VCF-style: chr3-168833808-T-A.
Other names: c.1483A>T, p.Met495Leu (NM_001105077.4); c.1288A>T, p.Met430Leu (NM_001105078.4, NM_001164000.2, NM_001205194.2 and 4 more transcripts); c.1291A>T, p.Met431Leu (NM_001163999.2, NM_001366467.2, NM_001366468.2 and 1 more transcripts); c.1852A>T, p.Met618Leu (NM_001366466.2); c.1133-253A>T (NM_001366473.2); c.569-253A>T (NM_001366474.2); short protein forms M431L, M495L, M430L, M618L.
Identifiers: ClinVar variation 5024150 (VCV005024150.1).